The following is an entry in ClinVar:

NM_004447.6(EPS8):c.60-33TTA[15]

Gene: EPS8 (EGFR pathway substrate 8, signaling adaptor; minus strand). Cytogenetic location: 12p12.3.
Variant type: Microsatellite.
Coding change: c.60-33TTA[15] on transcript NM_004447.6 (MANE Select); 15 copies in a row of the 3-base unit TTA starting at c.60-33; the reference has ten copies in a row; five copies, 15 bases duplicated.
Molecular consequence: intron variant.
Genome position (GRCh38, 1-based): chr12:15,681,306-15,681,320, TAATAATAATAATAA duplicated on the plus strand (TTATTATTATTATTA on the coding strand, the reverse complement: EPS8 is on the minus strand); duplicating any 15 consecutive bases within chr12:15,681,306-15,681,337 gives the same sequence; the position shown is the placement nearest the transcript's 3' end. VCF-style (leftmost placement, unchanged base first): chr12-15681305-G-GTAATAATAATAATAA. GRCh37 (hg19) VCF-style: chr12-15834239-G-GTAATAATAATAATAA.
Other names: c.-104-10412TTA[15] (NM_001413836.1); c.-105+1558TTA[15] (NM_001413835.1); c.60-33TTA[15] (NM_001413831.1, NM_001413832.1, NM_001413833.1 and 3 more transcripts); c.-362-33TTA[15] (NM_001413837.1); c.60-18_60-4dup15 (NM_004447.5).
Identifiers: ClinVar variation 2720063 (VCV002720063.5), dbSNP rs201331879, ClinGen allele CA685883901.

ClinVar aggregate classification (germline): Likely benign. Review status: criteria provided, single submitter (1 of 4 stars). 2 submissions from 2 submitters: Likely benign (1). 1 of the submissions does not count toward it. Last evaluated 2024-10-27.

Conditions:
EPS8-related disorder. Also called: EPS8-related condition.

Submissions (2):

Labcorp Genetics (formerly Invitae), Labcorp
Classification: Likely benign. Last evaluated: 2024-10-27. Review status: criteria provided, single submitter. Criteria: Invitae Variant Classification Sherloc (09022015). Collection method: clinical testing. Allele origin: germline.

PreventionGenetics, part of Exact Sciences
Classification: Likely benign for EPS8-related condition. Last evaluated: 2019-11-01. Review status: no assertion criteria provided. Collection method: clinical testing. Allele origin: germline. Not counted in ClinVar's aggregate classification.
Comment: This variant is classified as likely benign based on ACMG/AMP sequence variant interpretation guidelines (Richards et al. 2015 PMID: 25741868, with internal and published modifications).